The following is an entry in ClinVar:

NM_014009.4(FOXP3):c.616_618del (p.Lys206del)

Gene: FOXP3 (forkhead box P3; minus strand). Cytogenetic location: Xp11.23.
Variant type: Deletion.
Coding change: c.616_618del on transcript NM_014009.4 (MANE Select); coding-DNA positions 616 to 618, 3 bases deleted (AAG; older notation c.616_618delAAG).
Protein change: p.Lys206del; deletes lysine 206.
Molecular consequence: inframe deletion.
Genome position (GRCh38, 1-based): chrX:49,256,780-49,256,782, CTT deleted on the plus strand (AAG on the coding strand, the reverse complement: FOXP3 is on the minus strand); deleting any 3 consecutive bases within chrX:49,256,780-49,256,784 gives the same sequence; the c. name uses the placement nearest the transcript's 3' end. VCF-style (leftmost placement, unchanged base first): chrX-49256779-CCTT-C. GRCh37 (hg19) VCF-style: chrX-49113236-CCTT-C.
Other names: c.511_513del, p.Lys171del (NM_001114377.2); short protein forms K206del, K171del.
Identifiers: ClinVar variation 951088 (VCV000951088.9), dbSNP rs2066076242, ClinGen allele CA645616806.

ClinVar aggregate classification (germline): Uncertain significance (1 of 4 stars; one submission).

Conditions:
Insulin-dependent diabetes mellitus secretory diarrhea syndrome (IPEX). Also called: IPEX and IPEX-Like; Immunodeficiency, Polyendocrinopathy, and Enteropathy X-Linked Syndrome; X-Linked Syndrome of Polyendocrinopathy, Immune Dysfunction, and Diarrhea; Immune dysregulation-polyendocrinopathy-enteropathy-X-linked syndrome; IMMUNODEFICIENCY, POLYENDOCRINOPATHY, AND ENTEROPATHY, X-LINKED; Immunodysregulation, polyendocrinopathy, and enteropathy, X-linked. Identifiers: Orphanet 37042, MedGen C0342288, MONDO:0010580, OMIM 304790. Disease mechanism: loss of function.

Submission:

Labcorp Genetics (formerly Invitae), Labcorp
Classification: Uncertain significance for Insulin-dependent diabetes mellitus secretory diarrhea syndrome. Last evaluated: 2021-06-25. Review status: criteria provided, single submitter. Criteria: Invitae Variant Classification Sherloc (09022015). Collection method: clinical testing. Allele origin: germline.
Comment: This variant, c.616_618del, results in the deletion of 1 amino acid(s) of the FOXP3 protein (p.Lys206del), but otherwise preserves the integrity of the reading frame. In summary, the available evidence is currently insufficient to determine the role of this variant in disease. Therefore, it has been classified as a Variant of Uncertain Significance. Experimental studies and prediction algorithms are not available or were not evaluated for this variant, and the functional significance of the affected amino acid(s) is currently unknown. This variant has not been reported in the literature in individuals with FOXP3-related conditions. This variant is not present in population databases (ExAC no frequency).